The following is an entry in ClinVar:

ClinVar aggregate classification (germline): Uncertain significance (1 of 4 stars; one submission).

gnomAD v4.1: 10 of 1,609,476 alleles (0.00062%); highest among the groups gnomAD compares: African/African-American, 0.0013%; no homozygotes.

Submission:

Labcorp Genetics (formerly Invitae), Labcorp
Classification: Uncertain significance. Last evaluated: 2024-10-08. Review status: criteria provided, single submitter. Criteria: Invitae Variant Classification Sherloc (09022015). Collection method: clinical testing. Allele origin: germline.
Comment: This sequence change replaces threonine, which is neutral and polar, with methionine, which is neutral and non-polar, at codon 490 of the ADGRB2 protein (p.Thr490Met). This variant is present in population databases (no rsID available, gnomAD 0.0009%). This variant has not been reported in the literature in individuals affected with ADGRB2-related conditions. An algorithm developed to predict the effect of missense changes on protein structure and function (PolyPhen-2) suggests that this variant is likely to be disruptive. In summary, the available evidence is currently insufficient to determine the role of this variant in disease. Therefore, it has been classified as a Variant of Uncertain Significance.

NM_001364857.2(ADGRB2):c.1469C>T (p.Thr490Met)

Gene: ADGRB2 (adhesion G protein-coupled receptor B2; minus strand). Cytogenetic location: 1p35.2.
Variant type: single nucleotide variant.
Coding change: c.1469C>T on transcript NM_001364857.2 (MANE Select); coding-DNA position 1469, C replaced by T.
Protein change: p.Thr490Met; replaces threonine 490 with methionine.
Molecular consequence: missense variant.
Genome position (GRCh38, 1-based): chr1:31,741,916, G>A on the plus strand (C>T on the coding strand, the complement: ADGRB2 is on the minus strand). VCF-style: chr1-31741916-G-A. GRCh37 (hg19) VCF-style: chr1-32207517-G-A.
Other names: c.1469C>T, p.Thr490Met (NM_001294335.2, NM_001294336.2); short protein forms T490M.
Identifiers: ClinVar variation 3697296 (VCV003697296.2).